The following is an entry in ClinVar:

ClinVar aggregate classification (germline): Conflicting classifications of pathogenicity. Review status: criteria provided, conflicting classifications (1 of 4 stars). 7 submissions from 7 submitters: Uncertain significance (5); Likely benign (1). 1 of the submissions does not count toward it. Last evaluated 2026-01-24.

Conditions:
COL4A4-related disorder.
Autosomal recessive Alport syndrome (ATS2). Also called: Alport syndrome type 2; COL4A4 Alport Syndrome and Thin Basement Membrane Nephropathy; ALPORT SYNDROME 2, AUTOSOMAL RECESSIVE; COL4A3-Related Nephropathy. Identifiers: Orphanet 63, Orphanet 88919, MedGen C4746745, MONDO:0008762, OMIM 203780.
Benign familial hematuria. Also called: thin basement membrane disease. Identifiers: MedGen C0241908, MONDO:0957317.
Alport syndrome. Also called: Hemorrhagic familial nephritis; Hemorrhagic hereditary nephritis; Congenital hereditary hematuria. Identifiers: Orphanet 63, MedGen C1567741, MONDO:0018965.

Allele frequency attached by ClinVar (database versions not stated): TOPMed 0.00004.
gnomAD v4.1: 59 of 1,613,766 alleles (0.0037%); highest among the groups gnomAD compares: Non-Finnish European, 0.0047%; no homozygotes.

Submissions (7):

Labcorp Genetics (formerly Invitae), Labcorp
Classification: Likely benign. Last evaluated: 2026-01-24. Review status: criteria provided, single submitter. Criteria: Invitae Variant Classification Sherloc (09022015). Collection method: clinical testing. Allele origin: germline.

GeneDx
Classification: Uncertain significance. Last evaluated: 2025-12-19. Review status: criteria provided, single submitter. Criteria: GeneDx Variant Classification Process June 2021. Collection method: clinical testing. Allele origin: germline.
Comment: In silico analysis supports that this missense variant has a deleterious effect on protein structure/function; Has not been previously published as pathogenic or benign to our knowledge

PreventionGenetics, part of Exact Sciences
Classification: Uncertain significance for COL4A4-related condition. Last evaluated: 2022-12-20. Review status: criteria provided, single submitter. Criteria: ACMG Guidelines, 2015. Collection method: clinical testing. Allele origin: germline.
Comment: The COL4A4 c.4760C>T variant is predicted to result in the amino acid substitution p.Pro1587Leu. To our knowledge, this variant has not been reported in the literature. This variant is reported in 0.0083% of alleles in individuals of African descent in gnomAD. At this time, the clinical significance of this variant is uncertain due to the absence of conclusive functional and genetic evidence.

CeGaT Center for Human Genetics Tuebingen
Classification: Uncertain significance. Last evaluated: 2022-11-01. Review status: criteria provided, single submitter. Criteria: CeGaT Center For Human Genetics Tuebingen Variant Classification Criteria Version 2. Collection method: clinical testing. Allele origin: germline. Affected: yes. Observed: 1 variant allele.

Fulgent Genetics
Classification: Uncertain significance for Hematuria, benign familial, 1; Autosomal recessive Alport syndrome. Last evaluated: 2022-03-21. Review status: criteria provided, single submitter. Criteria: ACMG Guidelines, 2015. Collection method: clinical testing. Allele origin: unknown.

Athena Diagnostics
Classification: Uncertain significance. Last evaluated: 2016-11-07. Review status: criteria provided, single submitter. Criteria: Athena Diagnostics Criteria. Collection method: clinical testing. Allele origin: germline.

Natera, Inc.
Classification: Uncertain significance for Alport syndrome. Last evaluated: 2019-10-28. Review status: no assertion criteria provided. Collection method: clinical testing. Allele origin: germline. Not counted in ClinVar's aggregate classification.

NM_000092.5(COL4A4):c.4760C>T (p.Pro1587Leu)

Gene: COL4A4 (collagen type IV alpha 4 chain; minus strand). Cytogenetic location: 2q36.3.
Variant type: single nucleotide variant.
Coding change: c.4760C>T on transcript NM_000092.5 (MANE Select); coding-DNA position 4760, C replaced by T.
Protein change: p.Pro1587Leu; replaces proline 1587 with leucine.
Molecular consequence: missense variant.
Genome position (GRCh38, 1-based): chr2:227,008,067, G>A on the plus strand (C>T on the coding strand, the complement: COL4A4 is on the minus strand). VCF-style: chr2-227008067-G-A. GRCh37 (hg19) VCF-style: chr2-227872783-G-A.
Other names: short protein forms P1587L.
Identifiers: ClinVar variation 447190 (VCV000447190.38), dbSNP rs190148408, ClinGen allele CA2144076.